The following is an entry in ClinVar:

ClinVar aggregate classification (germline): Uncertain significance. Review status: criteria provided, multiple submitters, no conflicts (2 of 4 stars). 2 submissions from 2 submitters: Uncertain significance (2). Last evaluated 2022-06-07.

Allele frequency attached by ClinVar (database versions not stated): gnomAD exomes below 0.00001.
gnomAD v4.1: 2 of 1,614,174 alleles (0.00012%); highest among the groups gnomAD compares: Non-Finnish European, 0.00017%; no homozygotes.

Submissions (2):

Blueprint Genetics
Classification: Uncertain significance. Last evaluated: 2022-06-07. Review status: criteria provided, single submitter. Criteria: ACMG Guidelines, 2015. Collection method: clinical testing. Allele origin: germline.

Labcorp Genetics (formerly Invitae), Labcorp
Classification: Uncertain significance. Last evaluated: 2021-08-24. Review status: criteria provided, single submitter. Criteria: Invitae Variant Classification Sherloc (09022015). Collection method: clinical testing. Allele origin: germline.
Comment: This sequence change replaces glutamic acid with lysine at codon 2130 of the SZT2 protein (p.Glu2130Lys). The glutamic acid residue is highly conserved and there is a small physicochemical difference between glutamic acid and lysine. This variant is not present in population databases (ExAC no frequency). This variant has not been reported in the literature in individuals affected with SZT2-related conditions. Algorithms developed to predict the effect of missense changes on protein structure and function (SIFT, PolyPhen-2, Align-GVGD) all suggest that this variant is likely to be disruptive. In summary, the available evidence is currently insufficient to determine the role of this variant in disease. Therefore, it has been classified as a Variant of Uncertain Significance.

NM_001365999.1(SZT2):c.6559G>A (p.Glu2187Lys)

Gene: SZT2 (SZT2 subunit of KICSTOR complex; plus strand). Cytogenetic location: 1p34.2.
Variant type: single nucleotide variant.
Coding change: c.6559G>A on transcript NM_001365999.1 (MANE Select); coding-DNA position 6559, G replaced by A.
Protein change: p.Glu2187Lys; replaces glutamic acid 2187 with lysine.
Molecular consequence: missense variant.
Genome position (GRCh38, 1-based): chr1:43,438,749, G>A. VCF-style: chr1-43438749-G-A. GRCh37 (hg19) VCF-style: chr1-43904420-G-A.
Other names: c.6388G>A, p.Glu2130Lys (NM_015284.4); short protein forms E2130K, E2187K.
Identifiers: ClinVar variation 1017855 (VCV001017855.7), dbSNP rs1654736892, ClinGen allele CA340030916.